The following is an entry in ClinVar:

ClinVar aggregate classification (germline): Uncertain significance. Review status: criteria provided, multiple submitters, no conflicts (2 of 4 stars). 3 submissions from 3 submitters: Uncertain significance (3). Last evaluated 2025-07-02.

Conditions:
Cardiovascular phenotype. Identifiers: MedGen CN230736.
Atrioventricular septal defect 4 (AVSD4). Identifiers: MedGen C3280781, MONDO:0013747, OMIM 614430.

Allele frequency attached by ClinVar (database versions not stated): TOPMed 0.00001; gnomAD 0.00003 and 0.00004.

Submissions (3):

Labcorp Genetics (formerly Invitae), Labcorp
Classification: Uncertain significance for Atrioventricular septal defect 4. Last evaluated: 2025-07-02. Review status: criteria provided, single submitter. Criteria: Invitae Variant Classification Sherloc (09022015). Collection method: clinical testing. Allele origin: germline.
Comment: This sequence change replaces asparagine, which is neutral and polar, with lysine, which is basic and polar, at codon 10 of the GATA4 protein (p.Asn10Lys). The frequency data for this variant in the population databases is considered unreliable, as metrics indicate poor data quality at this position in the gnomAD database. This variant has not been reported in the literature in individuals affected with GATA4-related conditions. ClinVar contains an entry for this variant (Variation ID: 1369253). Invitae Evidence Modeling of protein sequence and biophysical properties (such as structural, functional, and spatial information, amino acid conservation, physicochemical variation, residue mobility, and thermodynamic stability) has been performed for this missense variant. However, the output from this modeling did not meet the statistical confidence thresholds required to predict the impact of this variant on GATA4 protein function. In summary, the available evidence is currently insufficient to determine the role of this variant in disease. Therefore, it has been classified as a Variant of Uncertain Significance.

Ambry Genetics
Classification: Uncertain significance for Cardiovascular phenotype. Last evaluated: 2025-06-23. Review status: criteria provided, single submitter. Criteria: Ambry Variant Classification Scheme 2023. Collection method: clinical testing. Allele origin: germline.
Comment: The p.N10K variant (also known as c.30C>A), located in coding exon 1 of the GATA4 gene, results from a C to A substitution at nucleotide position 30. The asparagine at codon 10 is replaced by lysine, an amino acid with similar properties. This amino acid position is conserved. In addition, the in silico prediction for this alteration is inconclusive. Since supporting evidence is limited at this time, the clinical significance of this alteration remains unclear.

GeneDx
Classification: Uncertain significance. Last evaluated: 2024-11-13. Review status: criteria provided, single submitter. Criteria: GeneDx Variant Classification Process June 2021. Collection method: clinical testing. Allele origin: germline. Affected: yes.
Comment: Not observed at significant frequency in large population cohorts (gnomAD); In silico analysis supports that this missense variant has a deleterious effect on protein structure/function; Has not been previously published as pathogenic or benign to our knowledge

NM_001308093.3(GATA4):c.30C>A (p.Asn10Lys)

Gene: GATA4 (GATA binding protein 4). Cytogenetic location: 8p23.1.
Variant type: single nucleotide variant.
Coding change: c.30C>A on transcript NM_001308093.3 (MANE Select); coding-DNA position 30, C replaced by A.
Protein change: p.Asn10Lys; replaces asparagine 10 with lysine.
Molecular consequence: missense variant. On other transcripts: intron variant (3).
Genome position (GRCh38, 1-based): chr8:11,708,342, C>A. VCF-style: chr8-11708342-C-A. GRCh37 (hg19) VCF-style: chr8-11565851-C-A.
Other names: c.30C>A, p.Asn10Lys (NM_002052.5); c.-6+7564C>A (NM_001308094.2); c.-3+328C>A (NM_001374274.1); c.-3+4038C>A (NM_001374273.1); short protein forms N10K.
Identifiers: ClinVar variation 1369253 (VCV001369253.12), dbSNP rs1274085631, ClinGen allele CA370308526.